The following is an entry in ClinVar:

NM_005267.5(GJA8):c.1186C>T (p.Leu396=)

Gene: GJA8 (gap junction protein alpha 8; plus strand). Cytogenetic location: 1q21.2.
Variant type: single nucleotide variant.
Coding change: c.1186C>T on transcript NM_005267.5 (MANE Select); coding-DNA position 1186, C replaced by T.
Protein change: p.Leu396=; no amino-acid change (leucine 396 retained).
Molecular consequence: synonymous variant.
Genome position (GRCh38, 1-based): chr1:147,909,141, C>T. VCF-style: chr1-147909141-C-T. GRCh37 (hg19) VCF-style: chr1-147381268-C-T.
Identifiers: ClinVar variation 3389167 (VCV003389167.14).
Genomic context (GRCh38, chr1:147,909,141, plus strand): 5'-GGAGTGGATAAGGAGGGTGAAAAAGAAGAGCCGCAGTCGGAGAAGGTGTCAAAGCAAGGG[C>T]TGCCAGCTGAGAAGACACCTTCACTCTGTCCAGAGCTGACAACAGATGATGCCAGACCCC-3'
Protein context (NP_005258.2, residues 386-406): PQSEKVSKQG[Leu396=]PAEKTPSLCP

ClinVar aggregate classification (germline): Likely benign (1 of 4 stars; one submission).

gnomAD v4.1: 22 of 1,613,938 alleles (0.0014%); highest among the groups gnomAD compares: Admixed American, 0.005%; no homozygotes.

Submission:

CeGaT Center for Human Genetics Tuebingen
Classification: Likely benign. Last evaluated: 2024-10-01. Review status: criteria provided, single submitter. Criteria: CeGaT Center For Human Genetics Tuebingen Variant Classification Criteria Version 2. Collection method: clinical testing. Allele origin: germline. Affected: yes. Observed: 1 variant allele.
Comment: GJA8: BP4, BP7